The following is an entry in ClinVar:

ClinVar aggregate classification (germline): Uncertain significance (1 of 4 stars; one submission).

Submission:

GeneDx
Classification: Uncertain significance. Last evaluated: 2025-03-23. Review status: criteria provided, single submitter. Criteria: GeneDx Variant Classification Process June 2021. Collection method: clinical testing. Allele origin: germline.
Comment: Not observed at significant frequency in large population cohorts (gnomAD); Frameshift variant predicted to result in protein truncation or nonsense mediated decay in a gene or region of a gene for which loss of function is not a well-established mechanism of disease; Has not been previously published as pathogenic or benign to our knowledge

NM_001394062.1(MACF1):c.21431del (p.Lys7144fs)

Gene: MACF1 (microtubule actin crosslinking factor 1; plus strand). Cytogenetic location: 1p34.3.
Variant type: Deletion.
Coding change: c.21431del on transcript NM_001394062.1 (MANE Select); coding-DNA position 21431, one base deleted (A; older notation c.21431delA).
Protein change: p.Lys7144fs; shifts the reading frame from lysine 7144.
Molecular consequence: frameshift variant.
Genome position (GRCh38, 1-based): chr1:39,460,702, A deleted; the last of 5 consecutive A bases (chr1:39,460,698-39,460,702); deleting any one gives the same sequence. VCF-style (leftmost placement, unchanged base first): chr1-39460697-CA-C. GRCh37 (hg19) VCF-style: chr1-39926369-CA-C.
Other names: c.9509del, p.Lys3170fs (NM_001397473.1); c.15254del, p.Lys5085fs (NM_012090.5); short protein forms K3170fs, K5085fs, K7144fs.
Identifiers: ClinVar variation 3381564 (VCV003381564.2).
Genomic context (GRCh38, chr1:39,460,697, plus strand): 5'-AGAATTTGCCAACTTTGACTTTGATGTCTGGAGGAAAAAGTATATGCGTTGGATGAATCA[CA>C]AAAAGTCTCGAGTGATGGATTTCTTCCGGCGCATTGATAAGGACCAGGATGGGAAGATAA-3'